The following is an entry in ClinVar:

ClinVar aggregate classification (germline): Pathogenic (1 of 4 stars; one submission).

Conditions:
Joubert syndrome 23 (JBTS23). Identifiers: Orphanet 475, MedGen C4084822, MONDO:0014664, OMIM 616490.
Short-rib thoracic dysplasia 14 with polydactyly (SRTD14). Identifiers: Orphanet 397715, MedGen C4225286, MONDO:0014688, OMIM 616546.

Allele frequency attached by ClinVar (database versions not stated): gnomAD exomes 0.00001 and 0.00002; TOPMed 0.00001; ExAC 0.00002.
gnomAD v4.1: 6 of 1,613,894 alleles (0.00037%); highest among the groups gnomAD compares: Admixed American, 0.01%; no homozygotes.

Submission:

Labcorp Genetics (formerly Invitae), Labcorp
Classification: Pathogenic for Joubert syndrome 23; Short-rib thoracic dysplasia 14 with polydactyly. Last evaluated: 2024-04-22. Review status: criteria provided, single submitter. Criteria: Invitae Variant Classification Sherloc (09022015). Collection method: clinical testing. Allele origin: germline.
Comment: This sequence change creates a premature translational stop signal (p.Ser1276*) in the KIAA0586 gene. It is expected to result in an absent or disrupted protein product. Loss-of-function variants in KIAA0586 are known to be pathogenic (PMID: 26096313, 26166481, 26386044). This variant is present in population databases (rs776003330, gnomAD 0.01%). This premature translational stop signal has been observed in individual(s) with Joubert syndrome (Invitae). In at least one individual the data is consistent with being in trans (on the opposite chromosome) from a pathogenic variant. ClinVar contains an entry for this variant (Variation ID: 854917). For these reasons, this variant has been classified as Pathogenic.

Literature cited by the submitters: PubMed 26096313; PubMed 26166481; PubMed 26386044.

NM_001329943.3(KIAA0586):c.3668C>G (p.Ser1223Ter)

Gene: KIAA0586 (KIAA0586; plus strand). Cytogenetic location: 14q23.1.
Variant type: single nucleotide variant.
Coding change: c.3668C>G on transcript NM_001329943.3 (MANE Select); coding-DNA position 3668, C replaced by G.
Protein change: p.Ser1223Ter; replaces serine 1223 with a stop codon.
Molecular consequence: nonsense.
Genome position (GRCh38, 1-based): chr14:58,488,761, C>G. VCF-style: chr14-58488761-C-G. GRCh37 (hg19) VCF-style: chr14-58955479-C-G.
Other names: c.3827C>G, p.Ser1276Ter (NM_001244189.2); c.3623C>G, p.Ser1208Ter (NM_001244190.2); c.3413C>G, p.Ser1138Ter (NM_001244191.2, NM_001329945.2, NM_001364700.1 and 1 more transcripts); c.3536C>G, p.Ser1179Ter (NM_001244192.2); c.3248C>G, p.Ser1083Ter (NM_001244193.2); c.3668C>G, p.Ser1223Ter (NM_001329944.2, NM_001329946.2, NM_001329947.2); c.3440C>G, p.Ser1147Ter (NM_014749.5); short protein forms S1083*, S1179*, S1147*, S1223*, S1276*, S1138*, S1208*.
Identifiers: ClinVar variation 854917 (VCV000854917.7), dbSNP rs776003330, ClinGen allele CA7206224.